The following is an entry in ClinVar:

ClinVar aggregate classification (germline): Pathogenic/Likely pathogenic. Review status: criteria provided, multiple submitters, no conflicts (2 of 4 stars). 5 submissions from 5 submitters: Pathogenic (3); Likely pathogenic (1). 1 of the submissions does not count toward it. Last evaluated 2025-12-17.

Conditions:
Retinal dystrophy. Also called: Inherited retinal dystrophy. Identifiers: Orphanet 71862, MedGen C0854723, MeSH D058499, MONDO:0019118, HP:0000556.
LRAT-related disorder. Also called: LRAT-related condition.

Submissions (5):

3billion
Classification: Pathogenic for LRAT-related disorder. Last evaluated: 2025-12-17. Review status: criteria provided, single submitter. Criteria: ACMG Guidelines, 2015. Collection method: clinical testing. Allele origin: germline. Affected: yes.
Comment: The variant is observed at an extremely low frequency in the gnomAD v4.1.0 dataset (total allele frequency: <0.001%). Predicted Consequence/Location: Frameshift: predicted to result in a loss or disruption of normal protein function through nonsense-mediated decay (NMD) or protein truncation. Multiple pathogenic variants are reported downstream of the variant. The variant has been reported at least twice as pathogenic with clinical assertions and evidence for the classification (ClinVar ID: VCV000503963). Therefore, this variant is classified as Pathogenic according to the recommendation of ACMG/AMP guideline.

Blueprint Genetics
Classification: Pathogenic for LRAT-related disorders. Last evaluated: 2024-10-09. Review status: criteria provided, single submitter. Criteria: ACMG Guidelines, 2015. Collection method: clinical testing. Allele origin: germline. Affected: yes. Observed: 5 variant alleles.

Labcorp Genetics (formerly Invitae), Labcorp
Classification: Pathogenic. Last evaluated: 2023-11-21. Review status: criteria provided, single submitter. Criteria: Invitae Variant Classification Sherloc (09022015). Collection method: clinical testing. Allele origin: germline.
Comment: This sequence change creates a premature translational stop signal (p.Tyr154Leufs*30) in the LRAT gene. While this is not anticipated to result in nonsense mediated decay, it is expected to disrupt the last 77 amino acid(s) of the LRAT protein. This variant is present in population databases (rs765063151, gnomAD 0.004%). This variant has not been reported in the literature in individuals affected with LRAT-related conditions. ClinVar contains an entry for this variant (Variation ID: 503963). Experimental studies and prediction algorithms are not available or were not evaluated, and the functional significance of this variant is currently unknown. This variant disrupts a region of the LRAT protein in which other variant(s) (p.Ile174Serfs*12) have been determined to be pathogenic (PMID: 21217109). This suggests that this is a clinically significant region of the protein, and that variants that disrupt it are likely to be disease-causing. For these reasons, this variant has been classified as Pathogenic.

GeneDx
Classification: Likely pathogenic. Last evaluated: 2018-01-03. Review status: criteria provided, single submitter. Criteria: GeneDx Variant Classification (06012015). Collection method: clinical testing. Allele origin: germline. Affected: yes.
Comment: The c.459dupC variant in the LRAT gene has not been reported previously as a pathogenic variant nor as a benign variant, to our knowledge. The c.459dupC variant causes a frameshift starting with codon Tyrosine 154, changes this amino acid to a Leucine residue, and creates a premature Stop codon at position 30 of the new reading frame, denoted p.Tyr154LeufsX30. This variant is predicted to cause loss of normal protein function through protein truncation as the last 77 amino acids of the protein are lost and replaced with 29 incorrect amino acids. The c.459dupC variant is not observed in large population cohorts (Lek et al., 2016). We interpret c.459dupC as a likely pathogenic variant.

Institute of Human Genetics, Univ. Regensburg, Univ. Regensburg
Classification: Pathogenic for Retinal dystrophy. Last evaluated: 2023-01-01. Review status: no assertion criteria provided. Criteria: ACMG Guidelines, 2015. Collection method: clinical testing. Allele origin: germline. Affected: yes. Not counted in ClinVar's aggregate classification.

Literature cited by the submitters: PubMed 21217109 (cited by Labcorp Genetics (formerly Invitae), Labcorp).

NM_004744.5(LRAT):c.459dup (p.Tyr154fs)

Gene: LRAT (lecithin retinol acyltransferase; plus strand). Cytogenetic location: 4q32.1.
Variant type: Duplication.
Coding change: c.459dup on transcript NM_004744.5 (MANE Select); coding-DNA position 459, one base duplicated (C; older notation c.459dupC).
Protein change: p.Tyr154fs; shifts the reading frame from tyrosine 154.
Molecular consequence: frameshift variant.
Genome position (GRCh38, 1-based): chr4:154,744,785, C duplicated; the last of 5 consecutive C bases (chr4:154,744,781-154,744,785); duplicating any one gives the same sequence. VCF-style (leftmost placement, unchanged base first): chr4-154744780-A-AC. GRCh37 (hg19) VCF-style: chr4-155665932-A-AC.
Other names: c.459dup, p.Tyr154fs (NM_001301645.2); short protein forms Y154fs.
Identifiers: ClinVar variation 503963 (VCV000503963.15), dbSNP rs765063151, ClinGen allele CA3115872.